The following is an entry in ClinVar:

NM_006180.6(NTRK2):c.576C>A (p.Pro192=)

Gene: NTRK2 (neurotrophic receptor tyrosine kinase 2; plus strand). Cytogenetic location: 9q21.33.
Variant type: single nucleotide variant.
Coding change: c.576C>A on transcript NM_006180.6 (MANE Select); coding-DNA position 576, C replaced by A.
Protein change: p.Pro192=; no amino-acid change (proline 192 retained).
Molecular consequence: synonymous variant.
Genome position (GRCh38, 1-based): chr9:84,710,784, C>A. VCF-style: chr9-84710784-C-A. GRCh37 (hg19) VCF-style: chr9-87325699-C-A.
Other names: c.576C>A, p.Pro192= (NM_001007097.3, NM_001018064.3, NM_001018065.2 and 18 more transcripts); c.108C>A, p.Pro36= (NM_001369535.1, NM_001369536.1, NM_001369550.1 and 2 more transcripts).
Identifiers: ClinVar variation 1620974 (VCV001620974.16), dbSNP rs201185817, ClinGen allele CA5105523.

ClinVar aggregate classification (germline): Likely benign. Review status: criteria provided, multiple submitters, no conflicts (2 of 4 stars). 3 submissions from 3 submitters: Likely benign (3). Last evaluated 2025-04-23.

Allele frequency attached by ClinVar (database versions not stated): gnomAD 0.00002 and 0.00003; gnomAD exomes 0.00002 and 0.00004; ExAC 0.00003; TOPMed 0.00003; ESP Exome Variant Server 0.00008.
gnomAD v4.1: 30 of 1,613,884 alleles (0.0019%); highest among the groups gnomAD compares: Non-Finnish European, 0.002%; no homozygotes.

Submissions (3):

Labcorp Genetics (formerly Invitae), Labcorp
Classification: Likely benign. Last evaluated: 2025-04-23. Review status: criteria provided, single submitter. Criteria: Invitae Variant Classification Sherloc (09022015). Collection method: clinical testing. Allele origin: germline.

CeGaT Center for Human Genetics Tuebingen
Classification: Likely benign. Last evaluated: 2025-04-01. Review status: criteria provided, single submitter. Criteria: CeGaT Center For Human Genetics Tuebingen Variant Classification Criteria Version 2. Collection method: clinical testing. Allele origin: germline. Affected: yes. Observed: 1 variant allele.
Comment: NTRK2: BP4, BP7

Blueprint Genetics
Classification: Likely benign. Last evaluated: 2024-06-05. Review status: criteria provided, single submitter. Criteria: ACMG Guidelines, 2015. Collection method: clinical testing. Allele origin: germline.